The following is an entry in ClinVar:

ClinVar aggregate classification (germline): Conflicting classifications of pathogenicity. Review status: criteria provided, conflicting classifications (1 of 4 stars). 5 submissions from 5 submitters: Uncertain significance (1); Likely benign (4). Last evaluated 2025-10-20.

Conditions:
Charcot-Marie-Tooth disease axonal type 2S. Also called: CHARCOT-MARIE-TOOTH DISEASE, AXONAL, AUTOSOMAL RECESSIVE, TYPE 2S; CHARCOT-MARIE-TOOTH NEUROPATHY, TYPE 2S. Identifiers: Orphanet 443073, MedGen C4015349, MONDO:0014511, OMIM 616155.
Autosomal recessive distal spinal muscular atrophy 1. Also called: HMN VI; NEURONOPATHY, SEVERE INFANTILE AXONAL, WITH RESPIRATORY FAILURE; SEVERE INFANTILE AXONAL NEUROPATHY WITH RESPIRATORY FAILURE; SPINAL MUSCULAR ATROPHY, DIAPHRAGMATIC; Spinal muscular atrophy with respiratory distress 1; NEURONOPATHY, DISTAL HEREDITARY MOTOR, HARDING TYPE VI. Identifiers: Orphanet 98920, MedGen C1858517, MONDO:0011436, OMIM 604320.
Charcot-Marie-Tooth disease. Also called: Charcot-Marie-Tooth Neuropathy; Charcot-Marie-Tooth Hereditary Neuropathy. Identifiers: Orphanet 166, MedGen C0007959, MONDO:0015626.

Allele frequency attached by ClinVar (database versions not stated): ExAC 0.00002; gnomAD 0.00004; gnomAD exomes 0.00004 and 0.00009; TOPMed 0.00004; ESP Exome Variant Server 0.00015.
gnomAD v4.1: 142 of 1,613,780 alleles (0.0088%); highest among the groups gnomAD compares: Middle Eastern, 0.016%; no homozygotes.

Submissions (5):

Labcorp Genetics (formerly Invitae), Labcorp
Classification: Likely benign for Autosomal recessive distal spinal muscular atrophy 1; Charcot-Marie-Tooth disease axonal type 2S. Last evaluated: 2025-10-20. Review status: criteria provided, single submitter. Criteria: Invitae Variant Classification Sherloc (09022015). Collection method: clinical testing. Allele origin: germline.

Blueprint Genetics
Classification: Likely benign. Last evaluated: 2024-06-10. Review status: criteria provided, single submitter. Criteria: ACMG Guidelines, 2015. Collection method: clinical testing. Allele origin: germline.

Illumina Laboratory Services, Illumina
Classification: Uncertain significance for Autosomal recessive distal spinal muscular atrophy 1. Last evaluated: 2018-01-13. Review status: criteria provided, single submitter. Criteria: ICSL Variant Classification Criteria 13 December 2019. Collection method: clinical testing. Allele origin: germline.

GeneDx
Classification: Likely benign. Last evaluated: 2017-11-06. Review status: criteria provided, single submitter. Criteria: GeneDx Variant Classification (06012015). Collection method: clinical testing. Allele origin: germline. Affected: yes.
Comment: This variant is considered likely benign or benign based on one or more of the following criteria: it is a conservative change, it occurs at a poorly conserved position in the protein, it is predicted to be benign by multiple in silico algorithms, and/or has population frequency not consistent with disease.

Molecular Genetics Laboratory, London Health Sciences Centre
Classification: Likely benign for Charcot-Marie-Tooth disease. Review status: criteria provided, single submitter. Criteria: ACMG Guidelines, 2015. Collection method: clinical testing. Allele origin: germline. Affected: yes.

NM_002180.3(IGHMBP2):c.2612-15G>A

Gene: IGHMBP2 (immunoglobulin mu DNA binding protein 2; plus strand). Cytogenetic location: 11q13.3.
Variant type: single nucleotide variant.
Coding change: c.2612-15G>A on transcript NM_002180.3 (MANE Select); 15 bases into the intron before coding-DNA position 2612, G replaced by A.
Molecular consequence: intron variant.
Genome position (GRCh38, 1-based): chr11:68,938,167, G>A. VCF-style: chr11-68938167-G-A. GRCh37 (hg19) VCF-style: chr11-68705635-G-A.
Identifiers: ClinVar variation 305857 (VCV000305857.11), dbSNP rs372230504, ClinGen allele CA6153966.